The following is an entry in ClinVar:

ClinVar aggregate classification (germline): Pathogenic (1 of 4 stars; one submission).

Submission:

ISCA Site 6
Classification: Pathogenic. Last evaluated: 2011-08-12. Review status: criteria provided, single submitter. Criteria: Kaminsky et al. (Genet Med. 2011). Collection method: clinical testing. Allele origin: de novo. Affected: yes. Observed: 1 variant allele.
Comment: Copy number variation identified through the course of routine clinical cytogenomic testing in postnatal populations. Clinical assertions have been curated as described in Kaminsky et al. 2011.

GRCh38/hg38 22q11.21(chr22:18339130-20343532)x1

Genes: ARVCF (ARVCF delta catenin family member; minus strand), C22orf39 (chromosome 22 open reading frame 39; minus strand), CCDC188 (coiled-coil domain containing 188; minus strand), CDC45 (cell division cycle 45; plus strand), CLDN5 (claudin 5; minus strand) and 118 more. Cytogenetic location: 22q11.21.
Variant type: copy number loss.
Change: copy number 1 (one copy instead of two) of chr22:18,339,130-20,343,532 (2.00 Mb, GRCh38 coordinates, 1-based), cytogenetic band 22q11.21.
Identifiers: ClinVar variation 57590 (VCV000057590.2).